The following is an entry in ClinVar:

ClinVar aggregate classification (germline): Likely benign. Review status: criteria provided, multiple submitters, no conflicts (2 of 4 stars). 2 submissions from 2 submitters: Likely benign (2). Last evaluated 2024-11-24.

Conditions:
Malignant hyperthermia, susceptibility to, 1 (MHS1). Also called: Anesthesia related hyperthermia; Malignant hyperpyrexia; Fulminating hyperpyrexia; Pharmacogenic myopathy; RYR1-Related Malignant Hyperthermia Susceptibility; Malignant hyperthermia suceptibility 1. Identifiers: Orphanet 423, MedGen C2930980, MONDO:0007783, OMIM 145600.
RYR1-related disorder. Also called: RYR1-related disorders; RYR1-related condition. Identifiers: MedGen CN239331.

Submissions (2):

Labcorp Genetics (formerly Invitae), Labcorp
Classification: Likely benign for RYR1-related disorder. Last evaluated: 2024-11-24. Review status: criteria provided, single submitter. Criteria: Invitae Variant Classification Sherloc (09022015). Collection method: clinical testing. Allele origin: germline.

All of Us Research Program, National Institutes of Health
Classification: Likely benign for Malignant hyperthermia, susceptibility to, 1. Last evaluated: 2023-05-16. Review status: criteria provided, single submitter. Criteria: ACMG Guidelines, 2015. Collection method: clinical testing. Allele origin: germline. Inheritance: Autosomal dominant inheritance. Observed: 1 variant allele, 1 heterozygote.
Comment: This study involves interpretation of variants in research participants for the purpose of population health screening. Participant phenotype was not available at the time of variant classification. Additional details can be found in publication PMID: 35346344, PMCID: PMC8962531

NM_000540.3(RYR1):c.2913G>A (p.Leu971=)

Gene: RYR1 (ryanodine receptor 1; plus strand). Cytogenetic location: 19q13.2.
Variant type: single nucleotide variant.
Coding change: c.2913G>A on transcript NM_000540.3 (MANE Select); coding-DNA position 2913, G replaced by A.
Protein change: p.Leu971=; no amino-acid change (leucine 971 retained).
Molecular consequence: synonymous variant.
Genome position (GRCh38, 1-based): chr19:38,466,133, G>A. VCF-style: chr19-38466133-G-A. GRCh37 (hg19) VCF-style: chr19-38956773-G-A.
Other names: c.2913G>A, p.Leu971= (NM_001042723.2).
Identifiers: ClinVar variation 2895955 (VCV002895955.4), dbSNP rs2145446197, ClinGen allele CA507352678.
Genomic context (GRCh38, chr19:38,466,133, plus strand): 5'-GCCCTACCATGCCCGCAGGTATATGATGAGCAATGGGTACAAGCCGGCTCCGCTGGACCT[G>A]AGCCACGTGCGGCTGACGCCGGCGCAGACGACACTGGTGGACCGTCTGGCAGAAAATGGG-3'
Protein context (NP_000531.2, residues 961-981): SNGYKPAPLD[Leu971=]SHVRLTPAQT